The following is an entry in ClinVar:

NM_138927.4(SON):c.497C>T (p.Ala166Val)

Gene: SON (SON DNA and RNA binding protein; plus strand). Cytogenetic location: 21q22.11.
Variant type: single nucleotide variant.
Coding change: c.497C>T on transcript NM_138927.4 (MANE Select); coding-DNA position 497, C replaced by T.
Protein change: p.Ala166Val; replaces alanine 166 with valine.
Molecular consequence: missense variant. On other transcripts: intron variant (1), non-coding transcript variant (1).
Genome position (GRCh38, 1-based): chr21:33,549,728, C>T. VCF-style: chr21-33549728-C-T. GRCh37 (hg19) VCF-style: chr21-34922034-C-T.
Other names: c.244+3349C>T (NM_001291412.3); c.497C>T, p.Ala166Val (NM_001291411.2, NM_032195.3); c.497C>T (NM_138927.2); short protein forms A166V.
Identifiers: ClinVar variation 732185 (VCV000732185.34), dbSNP rs140389869, ClinGen allele CA10008691.

ClinVar aggregate classification (germline): Likely benign. Review status: criteria provided, multiple submitters, no conflicts (2 of 4 stars). 3 submissions from 3 submitters: Likely benign (2). 1 of the submissions does not count toward it. Last evaluated 2026-05-01.

Conditions:
SON-related disorder. Also called: SON-related condition.

Allele frequency attached by ClinVar (database versions not stated): gnomAD exomes 0.00058 and 0.00096; ESP Exome Variant Server 0.00062; gnomAD 0.00068 and 0.00071; TOPMed 0.00076; ExAC 0.00088; 1000 Genomes Project 0.00100; 1000 Genomes Project 30x 0.00109.

Submissions (3):

CeGaT Center for Human Genetics Tuebingen
Classification: Likely benign. Last evaluated: 2026-05-01. Review status: criteria provided, single submitter. Criteria: CeGaT Center For Human Genetics Tuebingen Variant Classification Criteria Version 2. Collection method: clinical testing. Allele origin: germline. Affected: yes. Observed: 5 variant alleles.
Comment: SON: BP4, BS1

Labcorp Genetics (formerly Invitae), Labcorp
Classification: Likely benign. Last evaluated: 2025-12-09. Review status: criteria provided, single submitter. Criteria: Invitae Variant Classification Sherloc (09022015). Collection method: clinical testing. Allele origin: germline.

PreventionGenetics, part of Exact Sciences
Classification: Benign for SON-related condition. Last evaluated: 2019-12-12. Review status: no assertion criteria provided. Collection method: clinical testing. Allele origin: germline. Not counted in ClinVar's aggregate classification.
Comment: This variant is classified as benign based on ACMG/AMP sequence variant interpretation guidelines (Richards et al. 2015 PMID: 25741868, with internal and published modifications).